The following is an entry in ClinVar:

NM_020686.6(ABAT):c.540+5G>T

Gene: ABAT (4-aminobutyrate aminotransferase; plus strand). Cytogenetic location: 16p13.2.
Variant type: single nucleotide variant.
Coding change: c.540+5G>T on transcript NM_020686.6 (MANE Select); 5 bases into the intron after coding-DNA position 540, G replaced by T.
Molecular consequence: intron variant.
Genome position (GRCh38, 1-based): chr16:8,764,835, G>T. VCF-style: chr16-8764835-G-T. GRCh37 (hg19) VCF-style: chr16-8858692-G-T.
Other names: c.540+5G>T (NM_001386602.1, NM_001386609.1, NM_001386605.1 and 9 more transcripts); c.636+5G>T (NM_001386615.1); c.447+686G>T (NM_001386608.1); c.405+5G>T (NM_001386610.1, NM_001386611.1, NM_001386612.1 and 1 more transcripts); c.294+5G>T (NM_001386614.1).
Identifiers: ClinVar variation 948147 (VCV000948147.8), dbSNP rs2059896686, ClinGen allele CA1139664509.

ClinVar aggregate classification (germline): Uncertain significance (1 of 4 stars; one submission).

Conditions:
Gamma-aminobutyric acid transaminase deficiency (GABATD). Also called: GABA transaminase deficiency; Gamma aminobutyrate transaminase deficiency; 4 alpha aminobutyrate transaminase deficiency; GABA aminotransaminase deficiency. Identifiers: Orphanet 2066, MedGen C0342708, MONDO:0013166, OMIM 613163.

Submission:

Labcorp Genetics (formerly Invitae), Labcorp
Classification: Uncertain significance for Gamma-aminobutyric acid transaminase deficiency. Last evaluated: 2019-07-09. Review status: criteria provided, single submitter. Criteria: Invitae Variant Classification Sherloc (09022015). Collection method: clinical testing. Allele origin: germline.
Comment: This sequence change falls in intron 8 of the ABAT gene. It does not directly change the encoded amino acid sequence of the ABAT protein, but it affects a nucleotide within the consensus splice site of the intron. This variant is not present in population databases (ExAC no frequency). This variant has not been reported in the literature in individuals with ABAT-related conditions. Nucleotide substitutions within the consensus splice site are a relatively common cause of aberrant splicing (PMID: 17576681, 9536098). Algorithms developed to predict the effect of sequence changes on RNA splicing suggest that this variant may disrupt the consensus splice site, but this prediction has not been confirmed by published transcriptional studies. In summary, the available evidence is currently insufficient to determine the role of this variant in disease. Therefore, it has been classified as a Variant of Uncertain Significance.

Literature cited by the submitters: PubMed 17576681; PubMed 9536098.